The following is an entry in ClinVar:

ClinVar aggregate classification (germline): Uncertain significance (1 of 4 stars; one submission).

Submission:

GeneDx
Classification: Uncertain significance. Last evaluated: 2026-04-23. Review status: criteria provided, single submitter. Criteria: GeneDx Variant Classification Process June 2021. Collection method: clinical testing. Allele origin: germline.
Comment: Not observed at significant frequency in large population cohorts (gnomAD); Nonsense variant predicted to result in protein truncation or nonsense mediated decay in a gene or region of a gene for which loss of function is not a well-established mechanism of disease; Has not been previously published as pathogenic or benign to our knowledge

NM_002911.4(UPF1):c.3022C>T (p.Arg1008Ter)

Gene: UPF1 (UPF1 RNA helicase and ATPase; plus strand). Cytogenetic location: 19p13.11.
Variant type: single nucleotide variant.
Coding change: c.3022C>T on transcript NM_002911.4 (MANE Select); coding-DNA position 3022, C replaced by T.
Protein change: p.Arg1008Ter; replaces arginine 1008 with a stop codon.
Molecular consequence: nonsense.
Genome position (GRCh38, 1-based): chr19:18,865,563, C>T. VCF-style: chr19-18865563-C-T. GRCh37 (hg19) VCF-style: chr19-18976372-C-T.
Other names: c.3055C>T, p.Arg1019Ter (NM_001297549.2); short protein forms R1008*, R1019*.
Identifiers: ClinVar variation 5037346 (VCV005037346.1).